The following is an entry in ClinVar:

ClinVar aggregate classification (germline): Uncertain significance. Review status: criteria provided, multiple submitters, no conflicts (2 of 4 stars). 3 submissions from 3 submitters: Uncertain significance (3). Last evaluated 2026-01-25.

Allele frequency attached by ClinVar (database versions not stated): ExAC 0.00001; gnomAD 0.00001; gnomAD exomes 0.00001 and 0.00003; TOPMed 0.00002.
gnomAD v4.1: 44 of 1,612,954 alleles (0.0027%); highest among the groups gnomAD compares: Non-Finnish European, 0.0036%; no homozygotes.

Submissions (3):

Labcorp Genetics (formerly Invitae), Labcorp
Classification: Uncertain significance. Last evaluated: 2026-01-25. Review status: criteria provided, single submitter. Criteria: Invitae Variant Classification Sherloc (09022015). Collection method: clinical testing. Allele origin: germline.
Comment: This sequence change falls in intron 4 of the COL11A2 gene. It does not directly change the encoded amino acid sequence of the COL11A2 protein. It affects a nucleotide within the consensus splice site. This variant is present in population databases (rs775089162, gnomAD 0.0009%). This variant has not been reported in the literature in individuals affected with COL11A2-related conditions. ClinVar contains an entry for this variant (Variation ID: 1254070). Variants that disrupt the consensus splice site are a relatively common cause of aberrant splicing (PMID: 17576681, 9536098). Algorithms developed to predict the effect of sequence changes on RNA splicing suggest that this variant is not likely to affect RNA splicing. In summary, the available evidence is currently insufficient to determine the role of this variant in disease. Therefore, it has been classified as a Variant of Uncertain Significance.

Revvity Omics, Revvity
Classification: Uncertain significance. Last evaluated: 2022-10-31. Review status: criteria provided, single submitter. Criteria: ACMG Guidelines, 2015. Collection method: clinical testing. Allele origin: germline.

GeneDx
Classification: Uncertain significance. Last evaluated: 2021-07-19. Review status: criteria provided, single submitter. Criteria: GeneDx Variant Classification Process June 2021. Collection method: clinical testing. Allele origin: germline. Affected: yes.
Comment: Has not been previously published as pathogenic or benign to our knowledge; Not observed at significant frequency in large population cohorts (Lek et al., 2016); In-silico analysis, which includes splice predictors and evolutionary conservation, is inconclusive as to whether the variant alters gene splicing. In the absence of RNA/functional studies, the actual effect of this sequence change is unknown.; This variant is associated with the following publications: (PMID: 27535533)

Literature cited by the submitters: PubMed 17576681 (cited by Labcorp Genetics (formerly Invitae), Labcorp); PubMed 9536098 (cited by Labcorp Genetics (formerly Invitae), Labcorp).

NM_080680.3(COL11A2):c.606+3A>G

Gene: COL11A2 (collagen type XI alpha 2 chain; minus strand). Cytogenetic location: 6p21.32.
Variant type: single nucleotide variant.
Coding change: c.606+3A>G on transcript NM_080680.3 (MANE Select); 3 bases into the intron after coding-DNA position 606, A replaced by G.
Molecular consequence: intron variant.
Genome position (GRCh38, 1-based): chr6:33,188,359, T>C on the plus strand (A>G on the coding strand, the complement: COL11A2 is on the minus strand). VCF-style: chr6-33188359-T-C. GRCh37 (hg19) VCF-style: chr6-33156136-T-C.
Other names: c.606+3A>G (NM_080679.3, NM_080681.3, NM_001163771.2).
Identifiers: ClinVar variation 1254070 (VCV001254070.7), dbSNP rs775089162, ClinGen allele CA3751629.
Genomic context (GRCh38, chr6:33,188,359, plus strand): 5'-GAAGGGTAGTGGGCACAAGATAGGGGACCAGAAGTCAATCCTGCCTCTGATTGCTCTGGT[T>C]ACCTCAAAGACTTCTTCATCCAGAATACGGGCACCAAAGATGATCACTCCATGGGTGTCC-3'